The following is an entry in ClinVar:

ClinVar aggregate classification (germline): Uncertain significance (1 of 4 stars; one submission).

Allele frequency attached by ClinVar (database versions not stated): gnomAD exomes below 0.00001; TOPMed below 0.00001.
gnomAD v4.1: 1 of 1,613,006 alleles (0.000062%); highest among the groups gnomAD compares: Non-Finnish European, 0.000085%; no homozygotes.

Submission:

Ambry Genetics
Classification: Uncertain significance. Last evaluated: 2023-10-06. Review status: criteria provided, single submitter. Criteria: Ambry Variant Classification Scheme 2023. Collection method: clinical testing. Allele origin: germline.
Comment: The p.T115I variant (also known as c.344C>T), located in coding exon 3 of the RECQL gene, results from a C to T substitution at nucleotide position 344. The threonine at codon 115 is replaced by isoleucine, an amino acid with similar properties. This amino acid position is conserved. In addition, this alteration is predicted to be deleterious by in silico analysis. Since supporting evidence is limited at this time, the clinical significance of this alteration remains unclear.

NM_002907.4(RECQL):c.344C>T (p.Thr115Ile)

Gene: RECQL (RecQ like helicase; minus strand). Cytogenetic location: 12p12.1.
Variant type: single nucleotide variant.
Coding change: c.344C>T on transcript NM_002907.4 (MANE Select); coding-DNA position 344, C replaced by T.
Protein change: p.Thr115Ile; replaces threonine 115 with isoleucine.
Molecular consequence: missense variant.
Genome position (GRCh38, 1-based): chr12:21,490,249, G>A on the plus strand (C>T on the coding strand, the complement: RECQL is on the minus strand). VCF-style: chr12-21490249-G-A. GRCh37 (hg19) VCF-style: chr12-21643183-G-A.
Other names: c.344C>T, p.Thr115Ile (NM_032941.3); short protein forms T115I.
Identifiers: ClinVar variation 3222967 (VCV003222967.1), dbSNP rs1943383995, ClinGen allele CA384132491.
Genomic context (GRCh38, chr12:21,490,249, plus strand): 5'-TAGTACATACCATCTGAACATAATGCTGGTAACTGGTAACATAAGCTCTTTCCACCTCCT[G>A]TAGGCATAACAAGAAATACCTCCTTTCCAGCCATTGTTACGTTAATAGTTTCAAGCTGAA-3'
Protein context (NP_002898.2, residues 105-125): AGKEVFLVMP[Thr115Ile]GGGKSLCYQL